The following is an entry in ClinVar:

NM_021978.4(ST14):c.825G>A (p.Leu275=)

Gene: ST14 (ST14 transmembrane serine protease matriptase; plus strand). Cytogenetic location: 11q24.3.
Variant type: single nucleotide variant.
Coding change: c.825G>A on transcript NM_021978.4 (MANE Select); coding-DNA position 825, G replaced by A.
Protein change: p.Leu275=; no amino-acid change (leucine 275 retained).
Molecular consequence: synonymous variant.
Genome position (GRCh38, 1-based): chr11:130,190,644, G>A. VCF-style: chr11-130190644-G-A. GRCh37 (hg19) VCF-style: chr11-130060539-G-A.
Identifiers: ClinVar variation 3058449 (VCV003058449.2), dbSNP rs769181276, ClinGen allele CA6363754.

ClinVar aggregate classification (germline): Likely benign (0 of 4 stars; one submission).

Conditions:
ST14-related disorder. Also called: ST14-related condition.

Allele frequency attached by ClinVar (database versions not stated): ExAC 0.00001; gnomAD 0.00001; TOPMed 0.00002.
gnomAD v4.1: 12 of 1,607,708 alleles (0.00075%); highest among the groups gnomAD compares: Admixed American, 0.02%; no homozygotes.

Submission:

PreventionGenetics, part of Exact Sciences
Classification: Likely benign for ST14-related condition. Last evaluated: 2019-03-22. Review status: no assertion criteria provided. Collection method: clinical testing. Allele origin: germline.
Comment: This variant is classified as likely benign based on ACMG/AMP sequence variant interpretation guidelines (Richards et al. 2015 PMID: 25741868, with internal and published modifications).